The following is an entry in ClinVar:

ClinVar aggregate classification (germline): Likely benign. Review status: criteria provided, multiple submitters, no conflicts (2 of 4 stars). 2 submissions from 2 submitters: Likely benign (2). Last evaluated 2021-04-29.

Allele frequency attached by ClinVar (database versions not stated): gnomAD 0.00001; gnomAD exomes 0.00001 and 0.00002; ExAC 0.00002; TOPMed 0.00002.
gnomAD v4.1: 21 of 1,608,582 alleles (0.0013%); highest among the groups gnomAD compares: East Asian, 0.036%; no homozygotes.

Submissions (2):

Blueprint Genetics
Classification: Likely benign. Last evaluated: 2021-04-29. Review status: criteria provided, single submitter. Criteria: ACMG Guidelines, 2015. Collection method: clinical testing. Allele origin: germline.

Laboratory for Molecular Medicine, Mass General Brigham Personalized Medicine
Classification: Likely benign. Last evaluated: 2017-08-23. Review status: criteria provided, single submitter. Criteria: LMM Criteria. Collection method: clinical testing. Allele origin: germline. Observed: 1 variant allele.
Comment: c.733-5T>C in intron 7 of HARS2: This variant is not expected to have clinical s ignificance because it does not alter an amino acid residue and is not located w ithin the splice consensus sequence. It has been identified in 0.03% (3/8654) of East Asian chromosomes by the Exome Aggregation Consortium (ExAC; dbSNP rs749557934).

NM_012208.4(HARS2):c.733-5T>C

Gene: HARS2 (histidyl-tRNA synthetase 2, mitochondrial; plus strand). Cytogenetic location: 5q31.3.
Variant type: single nucleotide variant.
Coding change: c.733-5T>C on transcript NM_012208.4 (MANE Select); 5 bases into the intron before coding-DNA position 733, T replaced by C.
Molecular consequence: intron variant.
Genome position (GRCh38, 1-based): chr5:140,696,516, T>C. VCF-style: chr5-140696516-T-C. GRCh37 (hg19) VCF-style: chr5-140076101-T-C.
Other names: c.301-5T>C (NM_001278732.2); c.751-5T>C (NM_001363535.2); c.658-5T>C (NM_001278731.2); c.523-5T>C (NM_001363536.2).
Identifiers: ClinVar variation 517564 (VCV000517564.5), dbSNP rs749557934, ClinGen allele CA3444528.